The following is an entry in ClinVar:

ClinVar aggregate classification (germline): Likely benign. Review status: criteria provided, multiple submitters, no conflicts (2 of 4 stars). 3 submissions from 3 submitters: Likely benign (3). Last evaluated 2025-10-06.

Conditions:
IFT43-related disorder. Also called: IFT43-related condition.
Short-rib thoracic dysplasia 18 with polydactyly. Identifiers: MedGen C4693420, MONDO:0036483, OMIM 617866.
Cranioectodermal dysplasia 3 (CED3). Identifiers: Orphanet 1515, MedGen C3279807, MONDO:0013573, OMIM 614099.
Retinitis pigmentosa 81 (RP81). Identifiers: MedGen C4693443, MONDO:0036482, OMIM 617871.

Allele frequency attached by ClinVar (database versions not stated): TOPMed 0.00009; ESP Exome Variant Server 0.00015; gnomAD exomes 0.00029 and 0.00050; 1000 Genomes Project 30x 0.00031; 1000 Genomes Project 0.00040; ExAC 0.00044; gnomAD 0.00044 and 0.00045.
gnomAD v4.1: 500 of 1,614,148 alleles (0.031%); highest among the groups gnomAD compares: East Asian, 0.049%; 2 homozygotes.

Submissions (5):

Labcorp Genetics (formerly Invitae), Labcorp
Classification: Likely benign. Last evaluated: 2025-10-06. Review status: criteria provided, single submitter. Criteria: Invitae Variant Classification Sherloc (09022015). Collection method: clinical testing. Allele origin: germline.

PreventionGenetics, part of Exact Sciences
Classification: Likely benign for IFT43-related condition. Last evaluated: 2025-05-04. Review status: criteria provided, single submitter. Criteria: ACMG Guidelines, 2015. Collection method: clinical testing. Allele origin: germline.
Comment: This variant is classified as likely benign based on ACMG/AMP sequence variant interpretation guidelines (Richards et al. 2015 PMID: 25741868, with internal and published modifications).

Fulgent Genetics
Classification: Likely benign for Cranioectodermal dysplasia 3; Short-rib thoracic dysplasia 18 with polydactyly; Retinitis pigmentosa 81. Last evaluated: 2022-05-26. Review status: criteria provided, single submitter. Criteria: ACMG Guidelines, 2015. Collection method: clinical testing. Allele origin: unknown.

Dr. Peter K. Rogan Lab, Western University
No classification provided (evidence only). Condition: Hepatocellular carcinoma. Review status: no classification provided. Collection method: in vitro. Allele origin: not applicable. Functional consequence: retained intron. Not counted in ClinVar's aggregate classification.

Dr. Peter K. Rogan Lab, Western University
No classification provided (evidence only). Condition: Adrenocortical carcinoma, hereditary. Review status: no classification provided. Collection method: in vitro. Allele origin: not applicable. Functional consequence: retained intron. Not counted in ClinVar's aggregate classification.

NM_001102564.3(IFT43):c.383G>A (p.Arg128Gln)

Gene: IFT43 (intraflagellar transport 43; plus strand). Cytogenetic location: 14q24.3.
Variant type: single nucleotide variant.
Coding change: c.383G>A on transcript NM_001102564.3 (MANE Select); coding-DNA position 383, G replaced by A.
Protein change: p.Arg128Gln; replaces arginine 128 with glutamine.
Molecular consequence: missense variant. On other transcripts: non-coding transcript variant (2).
Genome position (GRCh38, 1-based): chr14:76,082,631, G>A. VCF-style: chr14-76082631-G-A. GRCh37 (hg19) VCF-style: chr14-76548974-G-A.
Other names: c.398G>A (NM_052873.2); c.398G>A, p.Arg133Gln (NM_052873.3); short protein forms R128Q, R133Q.
Identifiers: ClinVar variation 1133893 (VCV001133893.12), dbSNP rs138684775, ClinGen allele CA7280879.